The following is an entry in ClinVar:

ClinVar aggregate classification (germline): Uncertain significance (1 of 4 stars; one submission).

Submission:

GeneDx
Classification: Uncertain significance. Last evaluated: 2025-07-19. Review status: criteria provided, single submitter. Criteria: GeneDx Variant Classification Process June 2021. Collection method: clinical testing. Allele origin: germline. Affected: yes.
Comment: Not observed at significant frequency in large population cohorts (gnomAD); In silico analysis suggests that this missense variant does not alter protein structure/function; Has not been previously published as pathogenic or benign to our knowledge

NM_000435.3(NOTCH3):c.4003A>G (p.Ser1335Gly)

Gene: NOTCH3 (notch receptor 3; minus strand). Cytogenetic location: 19p13.12.
Variant type: single nucleotide variant.
Coding change: c.4003A>G on transcript NM_000435.3 (MANE Select); coding-DNA position 4003, A replaced by G.
Protein change: p.Ser1335Gly; replaces serine 1335 with glycine.
Molecular consequence: missense variant.
Genome position (GRCh38, 1-based): chr19:15,177,925, T>C on the plus strand (A>G on the coding strand, the complement: NOTCH3 is on the minus strand). VCF-style: chr19-15177925-T-C. GRCh37 (hg19) VCF-style: chr19-15288736-T-C.
Other names: short protein forms S1335G.
Identifiers: ClinVar variation 4755785 (VCV004755785.1).